The following is an entry in ClinVar:

NM_002693.3(POLG):c.2121C>A (p.Asn707Lys)

Gene: POLG (DNA polymerase gamma, catalytic subunit; minus strand). Cytogenetic location: 15q26.1.
Variant type: single nucleotide variant.
Coding change: c.2121C>A on transcript NM_002693.3 (MANE Select); coding-DNA position 2121, C replaced by A.
Protein change: p.Asn707Lys; replaces asparagine 707 with lysine.
Molecular consequence: missense variant.
Genome position (GRCh38, 1-based): chr15:89,323,851, G>T on the plus strand (C>A on the coding strand, the complement: POLG is on the minus strand). VCF-style: chr15-89323851-G-T. GRCh37 (hg19) VCF-style: chr15-89867082-G-T.
Other names: c.2121C>A, p.Asn707Lys (NM_001126131.2); short protein forms N707K.
Identifiers: ClinVar variation 380291 (VCV000380291.54), dbSNP rs755502359, ClinGen allele CA7724584.

ClinVar aggregate classification (germline): Conflicting classifications of pathogenicity. Review status: criteria provided, conflicting classifications (1 of 4 stars). 4 submissions from 4 submitters: Uncertain significance (3); Likely benign (1). Last evaluated 2026-01-05.

Conditions:
Progressive sclerosing poliodystrophy (MTDPS4A). Also called: Mitochondrial DNA Depletion Syndrome 4A; Mitochondrial DNA depletion syndrome 4A (Alpers type); ALPERS DIFFUSE DEGENERATION OF CEREBRAL GRAY MATTER WITH HEPATIC CIRRHOSIS; NEURONAL DEGENERATION OF CHILDHOOD WITH LIVER DISEASE, PROGRESSIVE; Alpers-Huttenlocher Syndrome; Alpers-Huttenlocher Syndrome (AHS). Identifiers: Orphanet 726, MedGen C0205710, MONDO:0008758, OMIM 203700.

Allele frequency attached by ClinVar (database versions not stated): TOPMed 0.00006.
gnomAD v4.1: 58 of 1,614,136 alleles (0.0036%); highest among the groups gnomAD compares: Middle Eastern, 0.016%; no homozygotes.

Submissions (4):

Labcorp Genetics (formerly Invitae), Labcorp
Classification: Uncertain significance for Progressive sclerosing poliodystrophy. Last evaluated: 2026-01-05. Review status: criteria provided, single submitter. Criteria: Invitae Variant Classification Sherloc (09022015). Collection method: clinical testing. Allele origin: germline.
Comment: This sequence change replaces asparagine, which is neutral and polar, with lysine, which is basic and polar, at codon 707 of the POLG protein (p.Asn707Lys). This variant is present in population databases (rs755502359, gnomAD 0.008%). This variant has not been reported in the literature in individuals affected with POLG-related conditions. ClinVar contains an entry for this variant (Variation ID: 380291). Invitae Evidence Modeling of protein sequence and biophysical properties (such as structural, functional, and spatial information, amino acid conservation, physicochemical variation, residue mobility, and thermodynamic stability) indicates that this missense variant is not expected to disrupt POLG protein function with a negative predictive value of 95%. In summary, the available evidence is currently insufficient to determine the role of this variant in disease. Therefore, it has been classified as a Variant of Uncertain Significance.

GeneDx
Classification: Uncertain significance. Last evaluated: 2025-01-27. Review status: criteria provided, single submitter. Criteria: GeneDx Variant Classification Process June 2021. Collection method: clinical testing. Allele origin: germline. Affected: yes.
Comment: Has not been previously published as pathogenic or benign to our knowledge; Not observed at significant frequency in large population cohorts (gnomAD); In silico analysis indicates that this missense variant does not alter protein structure/function

CeGaT Center for Human Genetics Tuebingen
Classification: Uncertain significance. Last evaluated: 2023-01-01. Review status: criteria provided, single submitter. Criteria: CeGaT Center For Human Genetics Tuebingen Variant Classification Criteria Version 2. Collection method: clinical testing. Allele origin: germline. Affected: yes. Observed: 2 variant alleles.

Wong Mito Lab, Molecular and Human Genetics, Baylor College of Medicine
Classification: Likely benign for Progressive sclerosing poliodystrophy. Last evaluated: 2018-10-01. Review status: criteria provided, single submitter. Criteria: ACMG Guidelines, 2015. Collection method: clinical testing. Allele origin: germline.
Comment: The NM_002693.2:c.2121C>A (NP_002684.1:p.Asn707Lys) [GRCH38: NC_000015.10:g.89323851G>T] variant in POLG gene is interpretated to be a Likely Benign based on ACMG guidelines (PMID: 25741868). This variant meets the following evidence codes reported in the ACMG-guideline. BP4:Computational evidence/predictors indicate no impact on the POLG structure, function, or protein-protein interaction. BP6:Reputable source(s) without shared data suggest the variant is benign. Based on the evidence criteria codes applied, the variant is suggested to be Likely Benign.